The following is an entry in ClinVar:

ClinVar aggregate classification (germline): Conflicting classifications of pathogenicity. Review status: criteria provided, conflicting classifications (1 of 4 stars). 2 submissions from 2 submitters: Likely pathogenic (1); Uncertain significance (1). Last evaluated 2022-05-04.

Allele frequency attached by ClinVar (database versions not stated): gnomAD 0.00001; TOPMed 0.00001 and 0.00002; gnomAD exomes 0.00003; ExAC 0.00001.

Submissions (2):

Mendelics
Classification: Uncertain significance. Last evaluated: 2022-05-04. Review status: criteria provided, single submitter. Criteria: Mendelics Assertion Criteria 2019. Collection method: clinical testing. Allele origin: germline.

GeneDx
Classification: Likely pathogenic. Last evaluated: 2013-05-21. Review status: criteria provided, single submitter. Criteria: GeneDx Variant Classification (06012015). Collection method: clinical testing. Allele origin: germline. Affected: yes.
Comment: The Pro344Thr variant in the LEFTY2 gene has not been reported as a pathogenic variant or as a benign polymorphism to our knowledge. Pro344Thr results in a non-conservative amino acid substitution of a non polar, sterically constrained Proline with a polar Threonine at a position that is conserved in mammals. In silico analysis predicts Pro344Thr is damaging to the protein structure/function. Furthermore, the Pro344Thr variant was not observed in external variant databases, indicating it is not a common benign variant in the general population. In summary, Pro344Thr is a good candidate for a pathogenic variant.

NM_003240.5(LEFTY2):c.1030C>A (p.Pro344Thr)

Gene: LEFTY2 (left-right determination factor 2; minus strand). Cytogenetic location: 1q42.12.
Variant type: single nucleotide variant.
Coding change: c.1030C>A on transcript NM_003240.5 (MANE Select); coding-DNA position 1030, C replaced by A.
Protein change: p.Pro344Thr; replaces proline 344 with threonine.
Molecular consequence: missense variant.
Genome position (GRCh38, 1-based): chr1:225,937,512, G>T on the plus strand (C>A on the coding strand, the complement: LEFTY2 is on the minus strand). VCF-style: chr1-225937512-G-T. GRCh37 (hg19) VCF-style: chr1-226125212-G-T.
Other names: c.928C>A, p.Pro310Thr (NM_001172425.3); short protein forms P344T, P310T.
Identifiers: ClinVar variation 418283 (VCV000418283.3), dbSNP rs777139964, ClinGen allele CA1420421.